The following is an entry in ClinVar:

ClinVar aggregate classification (germline): Uncertain significance. Review status: criteria provided, single submitter (1 of 4 stars). 2 submissions from 2 submitters: Uncertain significance (1). 1 of the submissions does not count toward it. Last evaluated 2024-11-27.

Conditions:
CHST6-related disorder. Also called: CHST6-related condition.
Macular corneal dystrophy (MCD). Also called: GROENOUW TYPE II CORNEAL DYSTROPHY; Macular corneal dystrophy Type I. Identifiers: Orphanet 98969, MedGen C1636149, MONDO:0009020, OMIM 217800.

gnomAD v4.1: 1 of 1,611,662 alleles (0.000062%); highest among the groups gnomAD compares: Non-Finnish European, 0.000085%; no homozygotes.

Submissions (2):

3billion
Classification: Uncertain significance for Macular corneal dystrophy. Last evaluated: 2024-11-27. Review status: criteria provided, single submitter. Criteria: ACMG Guidelines, 2015. Collection method: clinical testing. Allele origin: germline. Affected: yes.
Comment: The variant is observed at an extremely low frequency in the gnomAD v4.1.0 dataset (total allele frequency: <0.001%). Predicted Consequence/Location: Missense variant. Missense changes are a common disease-causing mechanism. In silico tool predictions suggest damaging effect of the variant on gene or gene product [REVEL: 0.96 (>=0.6, sensitivity 0.68 and specificity 0.92)]. A different missense change at the same codon (p.Glu274Lys) has been reported to be associated with CHST6-related disorder (PMID: 11017086). However the evidence of pathogenicity is insufficient at this time. Therefore, this variant is classified as VUS according to the recommendation of ACMG/AMP guideline.

PreventionGenetics, part of Exact Sciences
Classification: Uncertain significance for CHST6-related condition. Last evaluated: 2023-12-01. Review status: no assertion criteria provided. Collection method: clinical testing. Allele origin: germline. Not counted in ClinVar's aggregate classification.
Comment: The CHST6 c.820G>C variant is predicted to result in the amino acid substitution p.Glu274Gln. To our knowledge, this variant has not been reported in the literature or in a large population database, indicating this variant is rare. An alternate substitution of this amino acid (p.Glu274Lys) has been reported in the homozygous state in an individual with macular corneal dystrophy (Akama et al. 2000. PubMed ID: 11017086). Although we suspect that c.820G>C (p.Glu274Gln) may be pathogenic, at this time, the clinical significance of this variant is uncertain due to the absence of conclusive functional and genetic evidence.

Literature cited by the submitters: PubMed 11017086 (cited by 3billion).

NM_021615.5(CHST6):c.820G>C (p.Glu274Gln)

Gene: CHST6 (carbohydrate sulfotransferase 6; minus strand). Cytogenetic location: 16q23.1.
Variant type: single nucleotide variant.
Coding change: c.820G>C on transcript NM_021615.5 (MANE Select); coding-DNA position 820, G replaced by C.
Protein change: p.Glu274Gln; replaces glutamic acid 274 with glutamine.
Molecular consequence: missense variant.
Genome position (GRCh38, 1-based): chr16:75,479,009, C>G on the plus strand (G>C on the coding strand, the complement: CHST6 is on the minus strand). VCF-style: chr16-75479009-C-G. GRCh37 (hg19) VCF-style: chr16-75512907-C-G.
Other names: short protein forms E274Q.
Identifiers: ClinVar variation 3034068 (VCV003034068.3), dbSNP rs72547538, ClinGen allele CA396789717.
Genomic context (GRCh38, chr16:75,479,009, plus strand): 5'-TGAGCCCAGTGAAGGCGTAGAGCGCACGGATTTCTGCCAGCGGCTCCCGCGCCAGGTCCT[C>G]GAAGCGCACCAGGCGGTAGCGGCCGCGCAGAAAGGGTGGCGGCTTGAGTGTGGCGGCCTC-3'
Protein context (NP_067628.1, residues 264-284): LRGRYRLVRF[Glu274Gln]DLAREPLAEI